The following is an entry in ClinVar:

NM_199420.4(POLQ):c.1114G>C (p.Val372Leu)

Gene: POLQ (DNA polymerase theta; minus strand). Cytogenetic location: 3q13.33.
Variant type: single nucleotide variant.
Coding change: c.1114G>C on transcript NM_199420.4 (MANE Select); coding-DNA position 1114, G replaced by C.
Protein change: p.Val372Leu; replaces valine 372 with leucine.
Molecular consequence: missense variant.
Genome position (GRCh38, 1-based): chr3:121,522,144, C>G on the plus strand (G>C on the coding strand, the complement: POLQ is on the minus strand). VCF-style: chr3-121522144-C-G. GRCh37 (hg19) VCF-style: chr3-121240991-C-G.
Other names: short protein forms V372L.
Identifiers: ClinVar variation 3308650 (VCV003308650.1).

ClinVar aggregate classification (germline): Uncertain significance (1 of 4 stars; one submission).

Submission:

Ambry Genetics
Classification: Uncertain significance. Last evaluated: 2024-04-24. Review status: criteria provided, single submitter. Criteria: Ambry Variant Classification Scheme 2023. Collection method: clinical testing. Allele origin: germline.
Comment: The p.V372L variant (also known as c.1114G>C), located in coding exon 8 of the POLQ gene, results from a G to C substitution at nucleotide position 1114. The valine at codon 372 is replaced by leucine, an amino acid with highly similar properties. This amino acid position is conserved. In addition, this alteration is predicted to be tolerated by in silico analysis. Based on the available evidence, the clinical significance of this variant remains unclear.